The following is an entry in ClinVar:

ClinVar aggregate classification (germline): Likely benign (1 of 4 stars; one submission).

gnomAD v4.1: 4 of 1,614,090 alleles (0.00025%); highest among the groups gnomAD compares: Non-Finnish European, 0.00034%; no homozygotes.

Submission:

CeGaT Center for Human Genetics Tuebingen
Classification: Likely benign. Last evaluated: 2026-02-01. Review status: criteria provided, single submitter. Criteria: CeGaT Center For Human Genetics Tuebingen Variant Classification Criteria Version 2. Collection method: clinical testing. Allele origin: germline. Affected: yes. Observed: 1 variant allele.
Comment: DPF2: BP4, BP7

NM_006268.5(DPF2):c.687C>G (p.Ala229=)

Gene: DPF2 (double PHD fingers 2; plus strand). Cytogenetic location: 11q13.1.
Variant type: single nucleotide variant.
Coding change: c.687C>G on transcript NM_006268.5 (MANE Select); coding-DNA position 687, C replaced by G.
Protein change: p.Ala229=; no amino-acid change (alanine 229 retained).
Molecular consequence: synonymous variant.
Genome position (GRCh38, 1-based): chr11:65,345,715, C>G. VCF-style: chr11-65345715-C-G. GRCh37 (hg19) VCF-style: chr11-65113186-C-G.
Other names: c.729C>G, p.Ala243= (NM_001330308.2).
Identifiers: ClinVar variation 4822175 (VCV004822175.4).
Genomic context (GRCh38, chr11:65,345,715, plus strand): 5'-TTCCCACTCAGTTTGTGGAAAACGTTACAAGAACCGACCAGGCCTCAGTTACCACTATGC[C>G]CACTCCCACTTGGCTGAGGAGGAGGGCGAGGACAAGGAAGACTCTCAACCACCCACTCCT-3'
Protein context (NP_006259.1, residues 219-239): KNRPGLSYHY[Ala229=]HSHLAEEEGE